The following is an entry in ClinVar:

NM_014915.3(ANKRD26):c.2704C>T (p.His902Tyr)

Gene: ANKRD26 (ankyrin repeat domain 26; minus strand). Cytogenetic location: 10p12.1.
Variant type: single nucleotide variant.
Coding change: c.2704C>T on transcript NM_014915.3 (MANE Select); coding-DNA position 2704, C replaced by T.
Protein change: p.His902Tyr; replaces histidine 902 with tyrosine.
Molecular consequence: missense variant.
Genome position (GRCh38, 1-based): chr10:27,035,746, G>A on the plus strand (C>T on the coding strand, the complement: ANKRD26 is on the minus strand). VCF-style: chr10-27035746-G-A. GRCh37 (hg19) VCF-style: chr10-27324675-G-A.
Other names: c.2701C>T, p.His901Tyr (NM_001256053.2); short protein forms H902Y, H901Y.
Identifiers: ClinVar variation 4842335 (VCV004842335.1).

ClinVar aggregate classification (germline): Uncertain significance (1 of 4 stars; one submission).

Conditions:
Inborn genetic diseases. Identifiers: MedGen C0950123, MeSH D030342.

Submission:

Ambry Genetics
Classification: Uncertain significance for Inborn genetic diseases. Last evaluated: 2025-12-20. Review status: criteria provided, single submitter. Criteria: Ambry Variant Classification Scheme 2023. Collection method: clinical testing. Allele origin: germline.
Comment: The p.H902Y variant (also known as c.2704C>T), located in coding exon 24 of the ANKRD26 gene, results from a C to T substitution at nucleotide position 2704. The histidine at codon 902 is replaced by tyrosine, an amino acid with similar properties. This amino acid position is conserved. In addition, this alteration is predicted to be tolerated by in silico analysis. Based on the available evidence, the clinical significance of this variant remains unclear.